The following is an entry in ClinVar:

NM_014727.3(KMT2B):c.6580G>A (p.Val2194Ile)

Gene: KMT2B (lysine methyltransferase 2B; plus strand). Cytogenetic location: 19q13.12.
Variant type: single nucleotide variant.
Coding change: c.6580G>A on transcript NM_014727.3 (MANE Select); coding-DNA position 6580, G replaced by A.
Protein change: p.Val2194Ile; replaces valine 2194 with isoleucine.
Molecular consequence: missense variant.
Genome position (GRCh38, 1-based): chr19:35,733,129, G>A. VCF-style: chr19-35733129-G-A. GRCh37 (hg19) VCF-style: chr19-36224030-G-A.
Other names: short protein forms V2194I.
Identifiers: ClinVar variation 2126412 (VCV002126412.4), dbSNP rs1969779539, ClinGen allele CA405429360.
Genomic context (GRCh38, chr19:35,733,129, plus strand): 5'-GTGTTAAGCCTTGGCCCTGCCCCTGAGCCCCCCAAACCCGCCACATCCAAAATCATACTT[G>A]TCAACAAGCTGGGGCAAGTATTTGTGAAGATGGCTGGGGAGGGTGAACCTGTCCCACCCC-3'
Protein context (NP_055542.1, residues 2184-2204): PKPATSKIIL[Val2194Ile]NKLGQVFVKM

ClinVar aggregate classification (germline): Uncertain significance (1 of 4 stars; one submission).

Allele frequency attached by ClinVar (database versions not stated): TOPMed below 0.00001.

Submission:

Labcorp Genetics (formerly Invitae), Labcorp
Classification: Uncertain significance. Last evaluated: 2022-04-19. Review status: criteria provided, single submitter. Criteria: Invitae Variant Classification Sherloc (09022015). Collection method: clinical testing. Allele origin: germline.
Comment: Algorithms developed to predict the effect of missense changes on protein structure and function are either unavailable or do not agree on the potential impact of this missense change (SIFT: "Tolerated"; PolyPhen-2: "Not Available"; Align-GVGD: "Class C0"). This variant has not been reported in the literature in individuals affected with KMT2B-related conditions. This variant is not present in population databases (gnomAD no frequency). This sequence change replaces valine, which is neutral and non-polar, with isoleucine, which is neutral and non-polar, at codon 2194 of the KMT2B protein (p.Val2194Ile). In summary, the available evidence is currently insufficient to determine the role of this variant in disease. Therefore, it has been classified as a Variant of Uncertain Significance.